The following is an entry in ClinVar:

ClinVar aggregate classification (germline): Uncertain significance. Review status: criteria provided, multiple submitters, no conflicts (2 of 4 stars). 2 submissions from 2 submitters: Uncertain significance (2). Last evaluated 2025-01-08.

Conditions:
Aortic valve disease 2 (AOVD2). Identifiers: MedGen C3542024, MONDO:0013902, OMIM 614823.

Submissions (2):

Labcorp Genetics (formerly Invitae), Labcorp
Classification: Uncertain significance for Aortic valve disease 2. Last evaluated: 2025-01-08. Review status: criteria provided, single submitter. Criteria: Invitae Variant Classification Sherloc (09022015). Collection method: clinical testing. Allele origin: germline.
Comment: This variant, c.761_763dup, results in the insertion of 1 amino acid(s) of the SMAD6 protein (p.Ala254dup), but otherwise preserves the integrity of the reading frame. This variant is present in population databases (rs774732566, gnomAD 0.002%). This variant has not been reported in the literature in individuals affected with SMAD6-related conditions. ClinVar contains an entry for this variant (Variation ID: 645791). Experimental studies and prediction algorithms are not available or were not evaluated, and the functional significance of this variant is currently unknown. In summary, the available evidence is currently insufficient to determine the role of this variant in disease. Therefore, it has been classified as a Variant of Uncertain Significance.

GeneDx
Classification: Uncertain significance. Last evaluated: 2019-11-04. Review status: criteria provided, single submitter. Criteria: GeneDx Variant Classification Process June 2021. Collection method: clinical testing. Allele origin: germline. Affected: yes.
Comment: Not observed at a significant frequency in large population cohorts (Lek et al., 2016); In silico analysis, which includes protein predictors and evolutionary conservation, supports that this variant does not alter protein structure/function; Has not been previously published as pathogenic or benign to our knowledge

NM_005585.5(SMAD6):c.752CCG[5] (p.Ala254dup)

Gene: SMAD6 (SMAD family member 6; plus strand). Cytogenetic location: 15q22.31.
Variant type: Microsatellite.
Coding change: c.752CCG[5] on transcript NM_005585.5 (MANE Select); five copies in a row of the 3-base unit CCG starting at c.752; the reference has four copies in a row; one copy, 3 bases duplicated.
Protein change: p.Ala254dup; duplicates alanine 254.
Molecular consequence: inframe insertion. On other transcripts: non-coding transcript variant (1).
Genome position (GRCh38, 1-based): chr15:66,704,019-66,704,021, CCG duplicated; duplicating any 3 consecutive bases within chr15:66,704,008-66,704,021 gives the same sequence; the position shown is the placement nearest the transcript's 3' end. VCF-style (leftmost placement, unchanged base first): chr15-66704007-T-TCGC. GRCh37 (hg19) VCF-style: chr15-66996345-T-TCGC.
Other names: c.761_763dupCCG (NM_005585.4).
Identifiers: ClinVar variation 645791 (VCV000645791.9), dbSNP rs774732566, ClinGen allele CA7626523.